The following is an entry in ClinVar:

ClinVar aggregate classification (germline): Uncertain significance (1 of 4 stars; one submission).

Submission:

Labcorp Genetics (formerly Invitae), Labcorp
Classification: Uncertain significance. Last evaluated: 2022-07-19. Review status: criteria provided, single submitter. Criteria: Invitae Variant Classification Sherloc (09022015). Collection method: clinical testing. Allele origin: germline.
Comment: In summary, the available evidence is currently insufficient to determine the role of this variant in disease. Therefore, it has been classified as a Variant of Uncertain Significance. Advanced modeling of protein sequence and biophysical properties (such as structural, functional, and spatial information, amino acid conservation, physicochemical variation, residue mobility, and thermodynamic stability) performed at Invitae indicates that this missense variant is expected to disrupt HNF1B protein function. ClinVar contains an entry for this variant (Variation ID: 1490601). This variant has not been reported in the literature in individuals affected with HNF1B-related conditions. This variant is not present in population databases (gnomAD no frequency). This sequence change replaces glycine, which is neutral and non-polar, with glutamic acid, which is acidic and polar, at codon 215 of the HNF1B protein (p.Gly215Glu).

NM_000458.4(HNF1B):c.644G>A (p.Gly215Glu)

Genes: HNF1B (HNF1 homeobox B; minus strand), LOC126862549 (BRD4-independent group 4 enhancer GRCh37_chr17:36093401-36094600; plus strand). Cytogenetic location: 17q12.
Variant type: single nucleotide variant.
Coding change: c.644G>A on transcript NM_000458.4 (MANE Select); coding-DNA position 644, G replaced by A.
Protein change: p.Gly215Glu; replaces glycine 215 with glutamic acid.
Molecular consequence: missense variant.
Genome position (GRCh38, 1-based): chr17:37,733,722, C>T on the plus strand (G>A on the coding strand, the complement: HNF1B is on the minus strand). VCF-style: chr17-37733722-C-T. GRCh37 (hg19) VCF-style: chr17-36093715-C-T.
Other names: c.566G>A, p.Gly189Glu (NM_001165923.4, NM_001304286.2); short protein forms G215E, G189E.
Identifiers: ClinVar variation 1490601 (VCV001490601.8), dbSNP rs2147553398, ClinGen allele CA398749255.